The following is an entry in ClinVar:

ClinVar aggregate classification (germline): Uncertain significance (1 of 4 stars; one submission).

Conditions:
Congenital myotonia, autosomal dominant form (THD). Also called: THOMSEN DISEASE; Myotonia congenita autosomal dominant. Identifiers: Orphanet 614, MedGen C2936781, MONDO:0008055, OMIM 160800.
Congenital myotonia, autosomal recessive form. Also called: BECKER DISEASE; Becker Generalized Myotonia; myotonia congenita, autosomal recessive. Identifiers: Orphanet 614, MedGen C0751360, MONDO:0009715, OMIM 255700.

gnomAD v4.1: 1 of 1,613,404 alleles (0.000062%); highest among the groups gnomAD compares: Non-Finnish European, 0.000085%; no homozygotes.

Submission:

Labcorp Genetics (formerly Invitae), Labcorp
Classification: Uncertain significance for Congenital myotonia, autosomal recessive form; Congenital myotonia, autosomal dominant form. Last evaluated: 2025-09-05. Review status: criteria provided, single submitter. Criteria: Invitae Variant Classification Sherloc (09022015). Collection method: clinical testing. Allele origin: germline.
Comment: This sequence change falls in intron 15 of the CLCN1 gene. It does not directly change the encoded amino acid sequence of the CLCN1 protein. It affects a nucleotide within the consensus splice site. This variant is present in population databases (rs775701668, gnomAD 0.0009%). This variant has not been reported in the literature in individuals affected with CLCN1-related conditions. Variants that disrupt the consensus splice site are a relatively common cause of aberrant splicing (PMID: 17576681, 9536098). Algorithms developed to predict the effect of sequence changes on RNA splicing suggest that this variant is not likely to affect RNA splicing. In summary, the available evidence is currently insufficient to determine the role of this variant in disease. Therefore, it has been classified as a Variant of Uncertain Significance.

Literature cited by the submitters: PubMed 17576681; PubMed 9536098.

NM_000083.3(CLCN1):c.1796+4A>T

Gene: CLCN1 (chloride voltage-gated channel 1; plus strand). Cytogenetic location: 7q34.
Variant type: single nucleotide variant.
Coding change: c.1796+4A>T on transcript NM_000083.3 (MANE Select); 4 bases into the intron after coding-DNA position 1796, A replaced by T.
Molecular consequence: intron variant.
Genome position (GRCh38, 1-based): chr7:143,342,146, A>T. VCF-style: chr7-143342146-A-T. GRCh37 (hg19) VCF-style: chr7-143039239-A-T.
Identifiers: ClinVar variation 4790076 (VCV004790076.1).